The following is an entry in ClinVar:

NM_020911.2(PLXNA4):c.3509C>T (p.Pro1170Leu)

Gene: PLXNA4 (plexin A4; minus strand). Cytogenetic location: 7q32.3.
Variant type: single nucleotide variant.
Coding change: c.3509C>T on transcript NM_020911.2 (MANE Select); coding-DNA position 3509, C replaced by T.
Protein change: p.Pro1170Leu; replaces proline 1170 with leucine.
Molecular consequence: missense variant.
Genome position (GRCh38, 1-based): chr7:132,180,716, G>A on the plus strand (C>T on the coding strand, the complement: PLXNA4 is on the minus strand). VCF-style: chr7-132180716-G-A. GRCh37 (hg19) VCF-style: chr7-131865475-G-A.
Other names: c.3509C>T, p.Pro1170Leu (NM_001393897.1); short protein forms P1170L.
Identifiers: ClinVar variation 4990369 (VCV004990369.1).

ClinVar aggregate classification (germline): Uncertain significance (1 of 4 stars; one submission).

Conditions:
PLXNA4-related disorder. Also called: PLXNA4-related condition.

gnomAD v4.1: 36 of 1,613,986 alleles (0.0022%); highest among the groups gnomAD compares: African/African-American, 0.017%; no homozygotes.

Submission:

PreventionGenetics, part of Exact Sciences
Classification: Uncertain significance for PLXNA4-related condition. Last evaluated: 2026-04-13. Review status: criteria provided, single submitter. Criteria: ACMG Guidelines, 2015. Collection method: clinical testing. Allele origin: germline.
Comment: The PLXNA4 c.3509C>T variant is predicted to result in the amino acid substitution p.Pro1170Leu. To our knowledge, this variant has not been reported in the literature. This variant is reported in 0.012% of alleles in individuals of African descent in gnomAD (GnomAD). At this time, the clinical significance of this variant is uncertain due to the absence of conclusive functional and genetic evidence.